The following is an entry in ClinVar:

ClinVar aggregate classification (germline): Conflicting classifications of pathogenicity. Review status: criteria provided, conflicting classifications (1 of 4 stars). 4 submissions from 4 submitters: Uncertain significance (3); Likely benign (1). Last evaluated 2025-04-10.

Conditions:
Arrhythmogenic right ventricular dysplasia 2. Identifiers: MedGen C1832931.
Catecholaminergic polymorphic ventricular tachycardia 1. Also called: VENTRICULAR TACHYCARDIA, STRESS-INDUCED POLYMORPHIC 1; VENTRICULAR TACHYCARDIA, CATECHOLAMINERGIC POLYMORPHIC, 1, WITH OR WITHOUT ATRIAL DYSFUNCTION AND/OR DILATED CARDIOMYOPATHY; RYR2-Related Catecholaminergic Polymorphic Ventricular Tachycardia. Identifiers: Orphanet 3286, MedGen C1631597, MONDO:0011484, OMIM 604772.
Ventricular arrhythmias due to cardiac ryanodine receptor calcium release deficiency syndrome. Also called: Autosomal dominant cardiac arrhythmia (Kuhn). Identifiers: MedGen C5542154, MONDO:0020745, OMIM 115000.
Catecholaminergic polymorphic ventricular tachycardia (CVPT). Also called: Catecholamine-induced polymorphic ventricular tachycardia. Identifiers: Orphanet 3286, MedGen C5574922, MONDO:0017990.

Allele frequency attached by ClinVar (database versions not stated): ExAC 0.00001; gnomAD exomes 0.00001; TOPMed 0.00001.
gnomAD v4.1: 8 of 1,498,958 alleles (0.00053%); highest among the groups gnomAD compares: African/African-American, 0.0014%; no homozygotes.

Submissions (4):

Labcorp Genetics (formerly Invitae), Labcorp
Classification: Likely benign for Catecholaminergic polymorphic ventricular tachycardia 1. Last evaluated: 2025-04-10. Review status: criteria provided, single submitter. Criteria: Invitae Variant Classification Sherloc (09022015). Collection method: clinical testing. Allele origin: germline.

All of Us Research Program, National Institutes of Health
Classification: Uncertain significance for Catecholaminergic polymorphic ventricular tachycardia. Last evaluated: 2024-08-23. Review status: criteria provided, single submitter. Criteria: ACMG Guidelines, 2015. Collection method: clinical testing. Allele origin: germline. Inheritance: Autosomal dominant inheritance. Observed: 3 variant alleles, 3 heterozygotes.
Comment: This missense variant replaces glutamine with arginine at codon 388 of the RYR2 protein. Computational prediction is inconclusive regarding the impact of this variant on protein structure and function (internally defined REVEL score threshold 0.5 < inconclusive < 0.7, PMID: 27666373). To our knowledge, functional studies have not been reported for this variant. This variant has not been reported in individuals affected with RYR2-related disorders in the literature. This variant has been identified in 2/208558 chromosomes in the general population by the Genome Aggregation Database (gnomAD). The available evidence is insufficient to determine the role of this variant in disease conclusively. Therefore, this variant is classified as a Variant of Uncertain Significance.

This study involves interpretation of variants in research participants for the purpose of population health screening. Participant phenotype was not available at the time of variant classification. Additional details can be found in publication PMID: 35346344, PMCID: PMC8962531

Fulgent Genetics
Classification: Uncertain significance for Ventricular arrhythmias due to cardiac ryanodine receptor calcium release deficiency syndrome; Catecholaminergic polymorphic ventricular tachycardia 1. Last evaluated: 2021-09-16. Review status: criteria provided, single submitter. Criteria: ACMG Guidelines, 2015. Collection method: clinical testing. Allele origin: unknown.

Laboratory for Molecular Medicine, Mass General Brigham Personalized Medicine
Classification: Uncertain significance. Last evaluated: 2012-04-17. Review status: criteria provided, single submitter. Criteria: LMM Criteria. Collection method: clinical testing. Allele origin: germline. Observed: 2 variant alleles.
Comment: The Gln388Arg variant (RYR2) has not been reported in the literature nor previou sly identified by our laboratory. Computational analyses (biochemical amino acid properties, conservation, AlignGVGD, PolyPhen2, and SIFT) do not provide strong support for or against an impact to the protein. Additional information is need ed to fully assess the clinical significance of the Gln388Arg variant.

NM_001035.3(RYR2):c.1163A>G (p.Gln388Arg)

Gene: RYR2 (ryanodine receptor 2; plus strand). Cytogenetic location: 1q43.
Variant type: single nucleotide variant.
Coding change: c.1163A>G on transcript NM_001035.3 (MANE Select); coding-DNA position 1163, A replaced by G.
Protein change: p.Gln388Arg; replaces glutamine 388 with arginine.
Molecular consequence: missense variant.
Genome position (GRCh38, 1-based): chr1:237,441,476, A>G. VCF-style: chr1-237441476-A-G. GRCh37 (hg19) VCF-style: chr1-237604776-A-G.
Other names: short protein forms Q388R.
Identifiers: ClinVar variation 43713 (VCV000043713.17), dbSNP rs397516506, ClinGen allele CA007114.